The following is an entry in ClinVar:

NM_001447.3(FAT2):c.10524C>A (p.Ile3508=)

Genes: FAT2 (FAT atypical cadherin 2; minus strand), SLC36A1 (solute carrier family 36 member 1; plus strand), LOC132089193 (Neanderthal introgressed variant-containing enhancer experimental_82555; plus strand). Cytogenetic location: 5q33.1.
Variant type: single nucleotide variant.
Coding change: c.10524C>A on transcript NM_001447.3 (MANE Select); coding-DNA position 10524, C replaced by A.
Protein change: p.Ile3508=; no amino-acid change (isoleucine 3508 retained).
Molecular consequence: synonymous variant.
Genome position (GRCh38, 1-based): chr5:151,522,069, G>T on the plus strand (C>A on the coding strand, the complement: FAT2 is on the minus strand). VCF-style: chr5-151522069-G-T. GRCh37 (hg19) VCF-style: chr5-150901630-G-T.
Identifiers: ClinVar variation 1265696 (VCV001265696.9), dbSNP rs3734049, ClinGen allele CA3520221.

ClinVar aggregate classification (germline): Benign. Review status: criteria provided, multiple submitters, no conflicts (2 of 4 stars). 3 submissions from 3 submitters: Benign (2). 1 of the submissions does not count toward it. Last evaluated 2026-02-01.

Conditions:
FAT2-related disorder. Also called: FAT2-related condition.

Allele frequency attached by ClinVar (database versions not stated): 1000 Genomes Project 0.09744; 1000 Genomes Project 30x 0.09853; TOPMed 0.14464; ESP Exome Variant Server 0.15224; ExAC 0.17299; gnomAD 0.14402 and 0.14639; gnomAD exomes 0.15676.
gnomAD v4.1: 287,547 of 1,586,952 alleles (18%); highest among the groups gnomAD compares: Non-Finnish European, 20%; 28,538 homozygotes.

Submissions (3):

Labcorp Genetics (formerly Invitae), Labcorp
Classification: Benign. Last evaluated: 2026-02-01. Review status: criteria provided, single submitter. Criteria: Invitae Variant Classification Sherloc (09022015). Collection method: clinical testing. Allele origin: germline.

GeneDx
Classification: Benign. Last evaluated: 2021-05-04. Review status: criteria provided, single submitter. Criteria: GeneDx Variant Classification Process June 2021. Collection method: clinical testing. Allele origin: germline. Affected: yes.

PreventionGenetics, part of Exact Sciences
Classification: Benign for FAT2-related condition. Last evaluated: 2019-10-28. Review status: no assertion criteria provided. Collection method: clinical testing. Allele origin: germline. Not counted in ClinVar's aggregate classification.
Comment: This variant is classified as benign based on ACMG/AMP sequence variant interpretation guidelines (Richards et al. 2015 PMID: 25741868, with internal and published modifications).